The following is an entry in ClinVar:

ClinVar aggregate classification (germline): Conflicting classifications of pathogenicity. Review status: criteria provided, conflicting classifications (1 of 4 stars). 10 submissions from 10 submitters: Uncertain significance (8); Likely benign (1). 1 of the submissions does not count toward it. Last evaluated 2025-12-31.

Conditions:
MUTYH-related disorder. Also called: MUTYH-related condition; MUTYH-related disorders.
Hereditary cancer-predisposing syndrome. Also called: Tumor predisposition; Hereditary Cancer Syndrome; Neoplastic Syndromes, Hereditary; Hereditary neoplastic syndrome. Identifiers: Orphanet 140162, MedGen C0027672, MeSH D009386, MONDO:0015356.
Familial adenomatous polyposis 2. Also called: Adenomas, multiple colorectal; MUTYH-associated polyposis; MUTYH Polyposis; FAP type 2; COLORECTAL ADENOMATOUS POLYPOSIS, AUTOSOMAL RECESSIVE; ADENOMAS, MULTIPLE COLORECTAL, AUTOSOMAL RECESSIVE. Identifiers: Orphanet 220460, Orphanet 247798, MedGen C3272841, MONDO:0012041, OMIM 608456.

Allele frequency attached by ClinVar (database versions not stated): TOPMed 0.00001; 1000 Genomes Project 0.00020; 1000 Genomes Project 30x 0.00031.
gnomAD v4.1: 16 of 1,614,106 alleles (0.00099%); highest among the groups gnomAD compares: East Asian, 0.013%; no homozygotes.

Submissions (10):

Labcorp Genetics (formerly Invitae), Labcorp
Classification: Uncertain significance for Familial adenomatous polyposis 2. Last evaluated: 2025-12-31. Review status: criteria provided, single submitter. Criteria: Invitae Variant Classification Sherloc (09022015). Collection method: clinical testing. Allele origin: germline.
Comment: This sequence change replaces arginine, which is basic and polar, with proline, which is neutral and non-polar, at codon 203 of the MUTYH protein (p.Arg203Pro). This variant is present in population databases (rs538383136, gnomAD 0.03%). This missense change has been observed in individual(s) with breast and/or ovarian cancer and/or colorectal cancer (PMID: 30093976, 32068069, 32658311). ClinVar contains an entry for this variant (Variation ID: 141400). An algorithm developed to predict the effect of missense changes on protein structure and function (PolyPhen-2) suggests that this variant is likely to be disruptive. In summary, the available evidence is currently insufficient to determine the role of this variant in disease. Therefore, it has been classified as a Variant of Uncertain Significance.

Ambry Genetics
Classification: Likely benign for Hereditary cancer-predisposing syndrome. Last evaluated: 2025-09-17. Review status: criteria provided, single submitter. Criteria: Ambry Variant Classification Scheme 2023. Collection method: clinical testing. Allele origin: germline.

Color Diagnostics, LLC DBA Color Health
Classification: Uncertain significance for Hereditary cancer-predisposing syndrome. Last evaluated: 2025-04-17. Review status: criteria provided, single submitter. Criteria: ACMG Guidelines, 2015. Collection method: clinical testing. Allele origin: germline.
Comment: This missense variant replaces arginine with proline at codon 203 of the MUTYH protein. Computational prediction is inconclusive regarding the impact of this variant on protein structure and function. To our knowledge, functional studies have not been reported for this variant. This variant has been reported in individuals affected with breast and/or ovarian cancer (PMID: 30093976, 32068069, 33471991), colorectal cancer (PMID: 32658311), as well as several healthy individuals (PMID: 33471991). This variant has been identified in 5/251462 chromosomes in the general population by the Genome Aggregation Database (gnomAD). The available evidence is insufficient to determine the role of this variant in disease conclusively. Therefore, this variant is classified as a Variant of Uncertain Significance.

All of Us Research Program, National Institutes of Health
Classification: Uncertain significance for Familial adenomatous polyposis 2. Last evaluated: 2024-05-14. Review status: criteria provided, single submitter. Criteria: ACMG Guidelines, 2015. Collection method: clinical testing. Allele origin: germline. Inheritance: Autosomal recessive inheritance. Observed: 1 variant allele, 1 heterozygote.
Comment: This missense variant replaces arginine with proline at codon 203 of the MUTYH protein. Computational prediction is inconclusive regarding the impact of this variant on protein structure and function (internally defined REVEL score threshold 0.5 < inconclusive < 0.7, PMID: 27666373). To our knowledge, functional studies have not been reported for this variant. This variant has been reported in individuals affected with breast and/or ovarian cancer (PMID: 30093976, 32068069, 33471991), colorectal cancer (PMID: 32658311), as well as several healthy individuals (PMID: 33471991). This variant has been identified in 5/251462 chromosomes in the general population by the Genome Aggregation Database (gnomAD). The available evidence is insufficient to determine the role of this variant in disease conclusively. Therefore, this variant is classified as a Variant of Uncertain Significance.

This study involves interpretation of variants in research participants for the purpose of population health screening. Participant phenotype was not available at the time of variant classification. Additional details can be found in publication PMID: 35346344, PMCID: PMC8962531

Baylor Genetics
Classification: Uncertain significance for Familial adenomatous polyposis 2. Last evaluated: 2024-01-20. Review status: criteria provided, single submitter. Criteria: ACMG Guidelines, 2015. Collection method: clinical testing. Allele origin: unknown.

Sema4
Classification: Uncertain significance for Hereditary cancer-predisposing syndrome. Last evaluated: 2022-01-05. Review status: criteria provided, single submitter. Criteria: Sema4 Curation Guidelines. Collection method: curation. Allele origin: germline.
Comment: The MUTYH c.608G>C (p.R203P) variant has been reported in heterozygosity in at least two individuals with breast cancer and/or ovarian cancer (PMID: 30093976, 32068069). It was also reported in a large breast cancer case control study in 9/60466 cases and in 4/53461 controls (PMID: 33471991). This variant was observed in 5/18394 chromosomes in the East Asian population, according to the Genome Aggregation Database (PMID: 32461654). This variant has been reported in ClinVar (Variation ID: 141400). Functional studies have not been performed, and in silico predictions of the variant's effect on protein function are inconclusive. The evidence is insufficient to meet ACMG/AMP criteria for classifying the variant as benign or pathogenic. Thus, the clinical significance of this variant is currently uncertain.

GeneDx
Classification: Uncertain significance. Last evaluated: 2020-04-27. Review status: criteria provided, single submitter. Criteria: GeneDx Variant Classification Process June 2021. Collection method: clinical testing. Allele origin: germline. Affected: yes.
Comment: In silico analysis supports that this missense variant has a deleterious effect on protein structure/function; Observed in an individual with breast cancer (Chan 2018); This variant is associated with the following publications: (PMID: 17949294, 30093976)

Quest Diagnostics Nichols Institute San Juan Capistrano
Classification: Uncertain significance. Last evaluated: 2019-12-31. Review status: criteria provided, single submitter. Criteria: Quest Diagnostics criteria. Collection method: clinical testing. Allele origin: unknown.

Laboratory for Molecular Medicine, Mass General Brigham Personalized Medicine
Classification: Uncertain significance. Last evaluated: 2017-03-06. Review status: criteria provided, single submitter. Criteria: LMM Criteria. Collection method: clinical testing. Allele origin: germline. Observed: 1 variant allele.
Comment: It has also been reported in ClinVar (Variation ID 141400). In addition, this variant has been identified in 3/8652 of East Asian chromosomes by the Exome Aggregation Consortium (ExAC; dbSNP rs538383136). Although this variant has been seen in the general population, i ts frequency is not high enough to rule out a pathogenic role. Computational pre diction tools and conservation analysis do not provide strong support for or aga inst an impact to the protein. In summary, the clinical significance of the p.Ar g203Pro variant is uncertain.

PreventionGenetics, part of Exact Sciences
Classification: Uncertain significance for MUTYH-related condition. Last evaluated: 2024-05-15. Review status: no assertion criteria provided. Collection method: clinical testing. Allele origin: germline. Not counted in ClinVar's aggregate classification.
Comment: The MUTYH c.608G>C variant is predicted to result in the amino acid substitution p.Arg203Pro. This variant has been reported in individuals with breast and/or ovarian cancer or colorectal cancer (Suppl. Table 2 of Chan et al. 2018. PubMed ID: 30093976; Supplemental Table S1 of Kwong et al. 2020. PubMed ID: 32068069; Table S6 of Akcay et al. 2021. PubMed ID: 32658311; reported as chr1_45798328_C_G, Supplementary Appendix, Breast Cancer Association Consortium et al. 2021. PubMed ID: 33471991). In Chan et al. (2020), biological relatives of the individual carrying this variant were noted to have a variety of cancer types although their genotypes were not provided. This variant is reported in 0.027% of alleles in individuals of East Asian descent in gnomAD and is classified as variant of uncertain significance in ClinVar. At this time, the clinical significance of this variant is uncertain due to the absence of conclusive functional and genetic evidence.

Literature cited by the submitters: PubMed 30093976 (cited by 6 submitters); PubMed 32068069 (cited by 5 submitters); PubMed 32658311 (cited by 4 submitters); PubMed 33471991 (cited by 3 submitters); PubMed 17949294 (cited by Quest Diagnostics Nichols Institute San Juan Capistrano and Laboratory for Molecular Medicine, Mass General Brigham Personalized Medicine).

NM_001048174.2(MUTYH):c.524G>C (p.Arg175Pro)

Gene: MUTYH (mutY DNA glycosylase; minus strand). Cytogenetic location: 1p34.1.
Variant type: single nucleotide variant.
Coding change: c.524G>C on transcript NM_001048174.2 (MANE Select); coding-DNA position 524, G replaced by C.
Protein change: p.Arg175Pro; replaces arginine 175 with proline.
Molecular consequence: missense variant. On other transcripts: non-coding transcript variant (2).
Genome position (GRCh38, 1-based): chr1:45,332,656, C>G on the plus strand (G>C on the coding strand, the complement: MUTYH is on the minus strand). VCF-style: chr1-45332656-C-G. GRCh37 (hg19) VCF-style: chr1-45798328-C-G.
Other names: c.524G>C, p.Arg175Pro (NM_001048171.2, NM_001048173.2, NM_001293195.2); c.527G>C, p.Arg176Pro (NM_001048172.2); c.608G>C, p.Arg203Pro (NM_001128425.2); c.569G>C, p.Arg190Pro (NM_001293190.2); c.557G>C, p.Arg186Pro (NM_001293191.2); c.248G>C, p.Arg83Pro (NM_001293192.2, NM_001293196.2); c.179G>C, p.Arg60Pro (NM_001350650.2, NM_001350651.2); c.599G>C, p.Arg200Pro (NM_012222.3); short protein forms R203P, R176P, R190P, R200P, R60P, R83P, R175P, R186P.
Identifiers: ClinVar variation 141400 (VCV000141400.40), dbSNP rs538383136, ClinGen allele CA013976.